The following is an entry in ClinVar:

NM_006767.4(LZTR1):c.1687G>T (p.Glu563Ter)

Gene: LZTR1 (leucine zipper like post translational regulator 1; plus strand). Cytogenetic location: 22q11.21.
Variant type: single nucleotide variant.
Coding change: c.1687G>T on transcript NM_006767.4 (MANE Select); coding-DNA position 1687, G replaced by T.
Protein change: p.Glu563Ter; replaces glutamic acid 563 with a stop codon.
Molecular consequence: nonsense.
Genome position (GRCh38, 1-based): chr22:20,994,629, G>T. VCF-style: chr22-20994629-G-T. GRCh37 (hg19) VCF-style: chr22-21348918-G-T.
Other names: short protein forms E563*.
Identifiers: ClinVar variation 3238123 (VCV003238123.1), dbSNP rs1374240053.

ClinVar aggregate classification (germline): Pathogenic (1 of 4 stars; one submission).

Conditions:
Hereditary cancer-predisposing syndrome. Also called: Neoplastic Syndromes, Hereditary; Tumor predisposition; Hereditary neoplastic syndrome; Hereditary Cancer Syndrome. Identifiers: Orphanet 140162, MedGen C0027672, MeSH D009386, MONDO:0015356.
Cardiovascular phenotype. Identifiers: MedGen CN230736.

Submission:

Ambry Genetics
Classification: Pathogenic for Cardiovascular phenotype; Hereditary cancer-predisposing syndrome. Last evaluated: 2023-10-04. Review status: criteria provided, single submitter. Criteria: Ambry Variant Classification Scheme 2023. Collection method: clinical testing. Allele origin: germline.
Comment: The p.E563* pathogenic mutation (also known as c.1687G>T), located in coding exon 15 of the LZTR1 gene, results from a G to T substitution at nucleotide position 1687. This changes the amino acid from a glutamic acid to a stop codon within coding exon 15. This alteration is expected to result in loss of function by premature protein truncation or nonsense-mediated mRNA decay. Loss-of-function variants in LZTR1 are related to an increased risk for schwannomas and autosomal recessive Noonan syndrome; however, such associations with autosomal dominant Noonan syndrome have not been observed (Piotrowski A et al. Nat Genet. 2014 Feb;46:182-7; Yamamoto GL et al. J Med Genet. 2015 Jun;52:413-21; Johnston JJ et al. Genet Med. 2018 10;20:1175-1185). Based on the supporting evidence, this variant is pathogenic for an increased risk of LZTR1-related schwannomatosis (SWN) and would be expected to cause autosomal recessive Noonan syndrome when present along with a second pathogenic or likely pathogenic variant on the other allele; however, the association of this alteration with autosomal dominant Noonan syndrome is unlikely.